The following is an entry in ClinVar:

ClinVar aggregate classification (germline): Likely pathogenic (1 of 4 stars; one submission).

Conditions:
Dilated cardiomyopathy 1G (CMD1G). Identifiers: Orphanet 154, MedGen C1858763, MONDO:0011400, OMIM 604145.
Autosomal recessive limb-girdle muscular dystrophy type 2J (LGMDR10). Also called: MUSCULAR DYSTROPHY, LIMB-GIRDLE, AUTOSOMAL RECESSIVE 10; Limb-girdle muscular dystrophy, type 2J. Identifiers: Orphanet 140922, MedGen C1837342, MONDO:0012127, OMIM 608807.

Allele frequency attached by ClinVar (database versions not stated): gnomAD exomes below 0.00001.
gnomAD v4.1: 5 of 1,613,626 alleles (0.00031%); highest among the groups gnomAD compares: Non-Finnish European, 0.00042%; no homozygotes.

Submission:

Labcorp Genetics (formerly Invitae), Labcorp
Classification: Likely pathogenic for Dilated cardiomyopathy 1G; Autosomal recessive limb-girdle muscular dystrophy type 2J. Last evaluated: 2024-01-02. Review status: criteria provided, single submitter. Criteria: Invitae Variant Classification Sherloc (09022015). Collection method: clinical testing. Allele origin: germline.
Comment: This sequence change creates a premature translational stop signal (p.Arg9848*) in the TTN gene. While this is not anticipated to result in nonsense mediated decay, it is expected to create a truncated TTN protein. This variant is not present in population databases (gnomAD no frequency). This variant has not been reported in the literature in individuals affected with TTN-related conditions. This variant is located in the I band of TTN (PMID: 25589632). Truncating variants in this region have been reported in individuals affected with autosomal recessive centronuclear myopathy (PMID: 23975875). Truncating variants in this region have also been identified in individuals affected with autosomal dominant dilated cardiomyopathy and/or cardio-related conditions (PMID: 27869827, 32964742). In summary, the currently available evidence indicates that the variant is pathogenic, but additional data are needed to prove that conclusively. Therefore, this variant has been classified as Likely Pathogenic.

Literature cited by the submitters: PubMed 25589632; PubMed 23975875; PubMed 27869827; PubMed 32964742.

NM_001267550.2(TTN):c.29542C>T (p.Arg9848Ter)

Gene: TTN (titin; minus strand). Cytogenetic location: 2q31.2.
Variant type: single nucleotide variant.
Coding change: c.29542C>T on transcript NM_001267550.2 (MANE Select); coding-DNA position 29542, C replaced by T.
Protein change: p.Arg9848Ter; replaces arginine 9848 with a stop codon.
Molecular consequence: nonsense. On other transcripts: intron variant (3).
Genome position (GRCh38, 1-based): chr2:178,705,236, G>A on the plus strand (C>T on the coding strand, the complement: TTN is on the minus strand). VCF-style: chr2-178705236-G-A. GRCh37 (hg19) VCF-style: chr2-179569963-G-A.
Other names: c.28591C>T, p.Arg9531Ter (NM_001256850.1); c.25810C>T, p.Arg8604Ter (NM_133378.4); c.13282+32846C>T (NM_003319.4); c.13858+32846C>T (NM_133437.4); c.13657+32846C>T (NM_133432.3); short protein forms R9531*, R8604*, R9848*.
Identifiers: ClinVar variation 2930555 (VCV002930555.3), dbSNP rs2475280421, ClinGen allele CA349580378.